The following is an entry in ClinVar:

ClinVar aggregate classification (germline): Likely benign. Review status: criteria provided, multiple submitters, no conflicts (2 of 4 stars). 2 submissions from 2 submitters: Likely benign (2). Last evaluated 2026-04-14.

Conditions:
DOLK-related disorder. Also called: DOLK-related condition.
DK1-congenital disorder of glycosylation. Also called: CONGENITAL DISORDER OF GLYCOSYLATION, TYPE Im; CDG Im; DK1 DEFICIENCY; DOLICHOL KINASE DEFICIENCY; DK1-CDG; Carbohydrate deficient glycoprotein syndrome type 1m. Identifiers: Orphanet 91131, MedGen C1835849, MONDO:0012556, OMIM 610768.

Allele frequency attached by ClinVar (database versions not stated): gnomAD exomes below 0.00001; ExAC 0.00002.
gnomAD v4.1: 4 of 1,614,046 alleles (0.00025%); highest among the groups gnomAD compares: Non-Finnish European, 0.00034%; no homozygotes.

Submissions (2):

PreventionGenetics, part of Exact Sciences
Classification: Likely benign for DOLK-related condition. Last evaluated: 2026-04-14. Review status: criteria provided, single submitter. Criteria: ACMG Guidelines, 2015. Collection method: clinical testing. Allele origin: germline.
Comment: This variant is classified as likely benign based on ACMG/AMP sequence variant interpretation guidelines (Richards et al. 2015 PMID: 25741868, with internal and published modifications).

Labcorp Genetics (formerly Invitae), Labcorp
Classification: Likely benign for DK1-congenital disorder of glycosylation. Last evaluated: 2025-02-17. Review status: criteria provided, single submitter. Criteria: Invitae Variant Classification Sherloc (09022015). Collection method: clinical testing. Allele origin: germline.

NM_014908.4(DOLK):c.1071A>G (p.Pro357=)

Gene: DOLK (dolichol kinase; minus strand). Cytogenetic location: 9q34.11.
Variant type: single nucleotide variant.
Coding change: c.1071A>G on transcript NM_014908.4 (MANE Select); coding-DNA position 1071, A replaced by G.
Protein change: p.Pro357=; no amino-acid change (proline 357 retained).
Molecular consequence: synonymous variant.
Genome position (GRCh38, 1-based): chr9:128,946,233, T>C on the plus strand (A>G on the coding strand, the complement: DOLK is on the minus strand). VCF-style: chr9-128946233-T-C. GRCh37 (hg19) VCF-style: chr9-131708512-T-C.
Identifiers: ClinVar variation 2083408 (VCV002083408.5), dbSNP rs781428790, ClinGen allele CA5271637.
Genomic context (GRCh38, chr9:128,946,233, plus strand): 5'-GCGCACATACTCCAGGAAGATGAAGACCGCCAGGCATACAGTGGCGGCTACATAGAGCAG[T>C]GGCCGGTCAAAGATGATACCTGGGATGTAGGTGGCTACCACAATGAGGTGGAAATACTTT-3'
Protein context (NP_055723.1, residues 347-367): TYIPGIIFDR[Pro357=]LLYVAATVCL